The following is an entry in ClinVar:

ClinVar aggregate classification (germline): Uncertain significance (1 of 4 stars; one submission).

Conditions:
Early-infantile DEE. Also called: Early infantile epileptic encephalopathy with suppression bursts; Ohtahara syndrome; Early infantile epileptic encephalopathy. Identifiers: Orphanet 1934, MedGen C0393706, MONDO:0800491.

Allele frequency attached by ClinVar (database versions not stated): gnomAD 0.00001.
gnomAD v4.1: 2 of 1,614,050 alleles (0.00012%); highest among the groups gnomAD compares: African/African-American, 0.0027%; no homozygotes.

Submission:

Labcorp Genetics (formerly Invitae), Labcorp
Classification: Uncertain significance for Early-infantile DEE. Last evaluated: 2022-08-23. Review status: criteria provided, single submitter. Criteria: Invitae Variant Classification Sherloc (09022015). Collection method: clinical testing. Allele origin: germline.
Comment: This variant has not been reported in the literature in individuals affected with SPTAN1-related conditions. This variant is present in population databases (rs768098501, gnomAD 0.008%). This sequence change replaces tyrosine, which is neutral and polar, with aspartic acid, which is acidic and polar, at codon 976 of the SPTAN1 protein (p.Tyr976Asp). In summary, the available evidence is currently insufficient to determine the role of this variant in disease. Therefore, it has been classified as a Variant of Uncertain Significance. Algorithms developed to predict the effect of missense changes on protein structure and function (SIFT, PolyPhen-2, Align-GVGD) all suggest that this variant is likely to be disruptive.

NM_001130438.3(SPTAN1):c.2926T>G (p.Tyr976Asp)

Gene: SPTAN1 (spectrin alpha, non-erythrocytic 1; plus strand). Cytogenetic location: 9q34.11.
Variant type: single nucleotide variant.
Coding change: c.2926T>G on transcript NM_001130438.3 (MANE Select); coding-DNA position 2926, T replaced by G.
Protein change: p.Tyr976Asp; replaces tyrosine 976 with aspartic acid.
Molecular consequence: missense variant.
Genome position (GRCh38, 1-based): chr9:128,588,863, T>G. VCF-style: chr9-128588863-T-G. GRCh37 (hg19) VCF-style: chr9-131351142-T-G.
Other names: c.2926T>G, p.Tyr976Asp (NM_001195532.2, NM_001363759.2, NM_001363765.2 and 5 more transcripts); c.2962T>G, p.Tyr988Asp (NM_001375312.2, NM_001375318.1); short protein forms Y976D, Y988D.
Identifiers: ClinVar variation 2079145 (VCV002079145.4), dbSNP rs768098501, ClinGen allele CA5264771.
Genomic context (GRCh38, chr9:128,588,863, plus strand): 5'-TTTTAGCAACAAGTGGCCCCCACGGATGATGAGACTGGGAAGGAGCTGGTCTTGGCTCTC[T>G]ACGACTATCAGGAGAAGAGTCCCCGAGAGGTCACCATGAAGAAGGGAGATATCCTTACCT-3'
Protein context (NP_001123910.1, residues 966-986): ETGKELVLAL[Tyr976Asp]DYQEKSPREV